The following is an entry in ClinVar:

NM_001290060.2(SEMA3B):c.2098G>A (p.Gly700Arg)

Gene: SEMA3B (semaphorin 3B; plus strand). Cytogenetic location: 3p21.31.
Variant type: single nucleotide variant.
Coding change: c.2098G>A on transcript NM_001290060.2 (MANE Select); coding-DNA position 2098, G replaced by A.
Protein change: p.Gly700Arg; replaces glycine 700 with arginine.
Molecular consequence: missense variant. On other transcripts: non-coding transcript variant (1).
Genome position (GRCh38, 1-based): chr3:50,276,554, G>A. VCF-style: chr3-50276554-G-A. GRCh37 (hg19) VCF-style: chr3-50313985-G-A.
Other names: c.2095G>A, p.Gly699Arg (NM_001005914.3, NM_001435957.1, NM_001435958.1); c.2113G>A, p.Gly705Arg (NM_001290061.1); c.1069G>A, p.Gly357Arg (NM_001290062.2, NM_001290063.2); c.2098G>A, p.Gly700Arg (NM_001435956.1, NM_004636.4); short protein forms G357R, G705R, G699R, G700R.
Identifiers: ClinVar variation 4993749 (VCV004993749.1).

ClinVar aggregate classification (germline): Likely benign (1 of 4 stars; one submission).

Conditions:
SEMA3B-related disorder. Also called: SEMA3B-related condition.

gnomAD v4.1: 3 of 1,538,904 alleles (0.00019%); highest among the groups gnomAD compares: Non-Finnish European, 0.00017%; no homozygotes.

Submission:

PreventionGenetics, part of Exact Sciences
Classification: Likely benign for SEMA3B-related condition. Last evaluated: 2026-09-25. Review status: criteria provided, single submitter. Criteria: ACMG Guidelines, 2015. Collection method: clinical testing. Allele origin: germline.
Comment: This variant is classified as likely benign based on ACMG/AMP sequence variant interpretation guidelines (Richards et al. 2015 PMID: 25741868, with internal and published modifications).